The following is an entry in ClinVar:

ClinVar aggregate classification (germline): Uncertain significance (1 of 4 stars; one submission).

gnomAD v4.1: 5 of 1,613,616 alleles (0.00031%); highest among the groups gnomAD compares: Middle Eastern, 0.017%; no homozygotes.

Submission:

Labcorp Genetics (formerly Invitae), Labcorp
Classification: Uncertain significance. Last evaluated: 2025-03-09. Review status: criteria provided, single submitter. Criteria: Invitae Variant Classification Sherloc (09022015). Collection method: clinical testing. Allele origin: germline.
Comment: This sequence change replaces glycine, which is neutral and non-polar, with alanine, which is neutral and non-polar, at codon 147 of the EGF protein (p.Gly147Ala). This variant is not present in population databases (gnomAD no frequency). This variant has not been reported in the literature in individuals affected with EGF-related conditions. An algorithm developed to predict the effect of missense changes on protein structure and function (PolyPhen-2) suggests that this variant is likely to be disruptive. In summary, the available evidence is currently insufficient to determine the role of this variant in disease. Therefore, it has been classified as a Variant of Uncertain Significance.

NM_001963.6(EGF):c.440G>C (p.Gly147Ala)

Gene: EGF (epidermal growth factor; plus strand). Cytogenetic location: 4q25.
Variant type: single nucleotide variant.
Coding change: c.440G>C on transcript NM_001963.6 (MANE Select); coding-DNA position 440, G replaced by C.
Protein change: p.Gly147Ala; replaces glycine 147 with alanine.
Molecular consequence: missense variant.
Genome position (GRCh38, 1-based): chr4:109,943,366, G>C. VCF-style: chr4-109943366-G-C. GRCh37 (hg19) VCF-style: chr4-110864522-G-C.
Other names: c.440G>C, p.Gly147Ala (NM_001178130.3, NM_001178131.3, NM_001357021.2); short protein forms G147A.
Identifiers: ClinVar variation 4775134 (VCV004775134.1).